The following is an entry in ClinVar:

NM_003403.5(YY1):c.201C>T (p.His67=)

Gene: YY1 (YY1 transcription factor; plus strand). Cytogenetic location: 14q32.2.
Variant type: single nucleotide variant.
Coding change: c.201C>T on transcript NM_003403.5 (MANE Select); coding-DNA position 201, C replaced by T.
Protein change: p.His67=; no amino-acid change (histidine 67 retained).
Molecular consequence: synonymous variant.
Genome position (GRCh38, 1-based): chr14:100,239,445, C>T. VCF-style: chr14-100239445-C-T. GRCh37 (hg19) VCF-style: chr14-100705782-C-T.
Identifiers: ClinVar variation 2644520 (VCV002644520.26), dbSNP rs777217783, ClinGen allele CA7343949.
Genomic context (GRCh38, chr14:100,239,445, plus strand): 5'-GGACGACGACGACGAGGACGGCGGCGGTGGCGACCACGGCGGCGGGGGCGGCCACGGGCA[C>T]GCCGGCCACCACCACCACCACCATCACCACCACCACCACCCGCCCATGATCGCTCTGCAG-3'
Protein context (NP_003394.1, residues 57-77): GDHGGGGGHG[His67=]AGHHHHHHHH

ClinVar aggregate classification (germline): Likely benign. Review status: criteria provided, multiple submitters, no conflicts (2 of 4 stars). 3 submissions from 3 submitters: Likely benign (2). 1 of the submissions does not count toward it. Last evaluated 2024-11-01.

Conditions:
YY1-related disorder. Also called: YY1-related condition.

Allele frequency attached by ClinVar (database versions not stated): ExAC 0.00013; gnomAD 0.00013.
gnomAD v4.1: 129 of 1,592,908 alleles (0.0081%); highest among the groups gnomAD compares: Middle Eastern, 0.1%; no homozygotes.

Submissions (3):

CeGaT Center for Human Genetics Tuebingen
Classification: Likely benign. Last evaluated: 2024-11-01. Review status: criteria provided, single submitter. Criteria: CeGaT Center For Human Genetics Tuebingen Variant Classification Criteria Version 2. Collection method: clinical testing. Allele origin: germline. Affected: yes. Observed: 3 variant alleles.
Comment: YY1: BP4, BP7

Blueprint Genetics
Classification: Likely benign. Last evaluated: 2024-09-18. Review status: criteria provided, single submitter. Criteria: ACMG Guidelines, 2015. Collection method: clinical testing. Allele origin: germline.

PreventionGenetics, part of Exact Sciences
Classification: Likely benign for YY1-related condition. Last evaluated: 2020-05-22. Review status: no assertion criteria provided. Collection method: clinical testing. Allele origin: germline. Not counted in ClinVar's aggregate classification.
Comment: This variant is classified as likely benign based on ACMG/AMP sequence variant interpretation guidelines (Richards et al. 2015 PMID: 25741868, with internal and published modifications).